The following is an entry in ClinVar:

ClinVar aggregate classification (germline): Uncertain significance. Review status: criteria provided, multiple submitters, no conflicts (2 of 4 stars). 2 submissions from 2 submitters: Uncertain significance (2). Last evaluated 2026-09-09.

Conditions:
ATP1A2-related disorder. Also called: ATP1A2-related condition; ATP1A2-RELATED DISORDERS.

Submissions (2):

PreventionGenetics, part of Exact Sciences
Classification: Uncertain significance for ATP1A2-related condition. Last evaluated: 2026-09-09. Review status: criteria provided, single submitter. Criteria: ACMG Guidelines, 2015. Collection method: clinical testing. Allele origin: germline.
Comment: The ATP1A2 c.2233A>G variant is predicted to result in the amino acid substitution p.Met745Val. This variant has been reported in an individual with hemiplegic migraine; the individual presented with an encephalopathic episode triggered by minor head injury (Murphy et al. 2018. PubMed ID: 28445178). This variant has not been reported in a large population database (gnomAD), indicating this variant is rare. A different missense variant affecting the same amino acid (c.2235G>A; p.Met745Ile) was reported in another individual with hemiplegic migraine, indicating that this residue may be important for protein function (Murphy et al. 2018. PubMed ID: 28445178). Although we suspect that this variant may be pathogenic, at this time, the clinical significance of this variant is uncertain due to the absence of conclusive functional and genetic evidence.

GeneDx
Classification: Uncertain significance. Last evaluated: 2024-07-15. Review status: criteria provided, single submitter. Criteria: GeneDx Variant Classification Process June 2021. Collection method: clinical testing. Allele origin: germline. Affected: yes.
Comment: Not observed at significant frequency in large population cohorts (gnomAD); In silico analysis supports that this missense variant has a deleterious effect on protein structure/function; Identified in a patient with familial hemiplegic migraine (FHM), but it is unknown whether this individual was screened for variants in other genes associated with FHM (PMID: 28445178); This variant is associated with the following publications: (PMID: 18184292, 1766058, 28445178)

NM_000702.4(ATP1A2):c.2233A>G (p.Met745Val)

Gene: ATP1A2 (ATPase Na+/K+ transporting subunit alpha 2; plus strand). Cytogenetic location: 1q23.2.
Variant type: single nucleotide variant.
Coding change: c.2233A>G on transcript NM_000702.4 (MANE Select); coding-DNA position 2233, A replaced by G.
Protein change: p.Met745Val; replaces methionine 745 with valine.
Molecular consequence: missense variant.
Genome position (GRCh38, 1-based): chr1:160,135,551, A>G. VCF-style: chr1-160135551-A-G. GRCh37 (hg19) VCF-style: chr1-160105341-A-G.
Other names: short protein forms M745V.
Identifiers: ClinVar variation 3573485 (VCV003573485.2).